The following is an entry in ClinVar:

NM_015910.7(WDPCP):c.2079-8T>C

Gene: WDPCP (WD repeat containing planar cell polarity effector; minus strand). Cytogenetic location: 2p15.
Variant type: single nucleotide variant.
Coding change: c.2079-8T>C on transcript NM_015910.7 (MANE Select); 8 bases into the intron before coding-DNA position 2079, T replaced by C.
Molecular consequence: intron variant.
Genome position (GRCh38, 1-based): chr2:63,153,582, A>G on the plus strand (T>C on the coding strand, the complement: WDPCP is on the minus strand). VCF-style: chr2-63153582-A-G. GRCh37 (hg19) VCF-style: chr2-63380717-A-G.
Other names: c.2007-8T>C (NM_001354044.2); c.1602-8T>C (NM_001042692.3); c.2079-8T>C (NM_015910.5).
Identifiers: ClinVar variation 1155140 (VCV001155140.10), dbSNP rs201051851, ClinGen allele CA1682006.
Genomic context (GRCh38, chr2:63,153,582, plus strand): 5'-AAAATCCAGAACAGATGTCTTTTTCAAGTTCATTCCTTCTGTCAATTATTTGTCTGCAGT[A>G]TATGGGTGTTTTTAATTGGAAAAAGGATTAAAAAAGAAAATTTTAAGGTTAGGTATAAGT-3'

ClinVar aggregate classification (germline): Likely benign. Review status: criteria provided, single submitter (1 of 4 stars). 2 submissions from 2 submitters: Likely benign (1). 1 of the submissions does not count toward it. Last evaluated 2019-12-28.

Conditions:
WDPCP-related disorder. Also called: WDPCP-related condition.
Bardet-Biedl syndrome (BBS). Identifiers: Orphanet 110, MedGen C0752166, MONDO:0015229.

Allele frequency attached by ClinVar (database versions not stated): gnomAD exomes below 0.00001 and 0.00001; ExAC 0.00001.
gnomAD v4.1: 8 of 1,604,340 alleles (0.0005%); highest among the groups gnomAD compares: Non-Finnish European, 0.00068%; no homozygotes.

Submissions (2):

Labcorp Genetics (formerly Invitae), Labcorp
Classification: Likely benign for Bardet-Biedl syndrome. Last evaluated: 2019-12-28. Review status: criteria provided, single submitter. Criteria: Invitae Variant Classification Sherloc (09022015). Collection method: clinical testing. Allele origin: germline.

PreventionGenetics, part of Exact Sciences
Classification: Likely benign for WDPCP-related condition. Last evaluated: 2024-03-11. Review status: no assertion criteria provided. Collection method: clinical testing. Allele origin: germline. Not counted in ClinVar's aggregate classification.
Comment: This variant is classified as likely benign based on ACMG/AMP sequence variant interpretation guidelines (Richards et al. 2015 PMID: 25741868, with internal and published modifications).